The following is an entry in ClinVar:

ClinVar aggregate classification (germline): Pathogenic/Likely pathogenic. Review status: criteria provided, multiple submitters, no conflicts (2 of 4 stars). 2 submissions from 2 submitters: Pathogenic (1); Likely pathogenic (1). Last evaluated 2025-01-01.

Conditions:
Fanconi anemia (FA). Also called: Fanconi's anemia. Identifiers: Orphanet 84, MedGen C0015625, MeSH D005199, MONDO:0019391.

Submissions (2):

CeGaT Center for Human Genetics Tuebingen
Classification: Pathogenic. Last evaluated: 2025-01-01. Review status: criteria provided, single submitter. Criteria: CeGaT Center For Human Genetics Tuebingen Variant Classification Criteria Version 2. Collection method: clinical testing. Allele origin: germline. Affected: yes. Observed: 1 variant allele.
Comment: SLX4: PVS1, PM2

Sema4
Classification: Likely pathogenic for Fanconi anemia. Last evaluated: 2022-01-25. Review status: criteria provided, single submitter. Criteria: Sema4 Curation Guidelines. Collection method: curation. Allele origin: germline.
Comment: The SLX4 c.1125delA (p.A376HfsX21) variant has not been reported in the literature to our knowledge. This variant causes a frameshift at amino acid 376 that results in premature termination 21 amino acids downstream. At this location, nonsense-mediated decay is predicted to occur, resulting in a loss of gene function. This variant was not observed in the large and broad cohorts of the Genome Aggregation Database (PMID: 32461654). This variant has not been reported in ClinVar. Based on the current evidence available, this variant is interpreted as likely pathogenic.

NM_032444.4(SLX4):c.1125del (p.Ala376fs)

Gene: SLX4 (SLX4 structure-specific endonuclease subunit; minus strand). Cytogenetic location: 16p13.3.
Variant type: Deletion.
Coding change: c.1125del on transcript NM_032444.4 (MANE Select); coding-DNA position 1125, one base deleted (A; older notation c.1125delA).
Protein change: p.Ala376fs; shifts the reading frame from alanine 376.
Molecular consequence: frameshift variant.
Genome position (GRCh38, 1-based): chr16:3,601,017, T deleted on the plus strand (A on the coding strand, the reverse complement: SLX4 is on the minus strand). VCF-style (leftmost placement, unchanged base first): chr16-3601016-CT-C. GRCh37 (hg19) VCF-style: chr16-3651017-CT-C.
Other names: short protein forms A376fs.
Identifiers: ClinVar variation 1691995 (VCV001691995.14), dbSNP rs2151133964, ClinGen allele CA2573152049.
Genomic context (GRCh38, chr16:3,601,016, plus strand): 5'-TTTCTTCCTTTTCGTCGACTTACCTGAACATGGGTGGGCTGCTGCTACCCTCAGGCTGTG[CT>C]GTCTGCAGCCGCACAGCCTGAAGCAGGAGCTGGGGGCCAACCTCCATCTTCACAGCACAC-3'